The following is an entry in ClinVar:

ClinVar aggregate classification (germline): Uncertain significance (1 of 4 stars; one submission).

Conditions:
PTPRQ-related disorder. Also called: PTPRQ-related condition.

gnomAD v4.1: 7 of 1,537,474 alleles (0.00046%); highest among the groups gnomAD compares: African/African-American, 0.0083%; no homozygotes.

Submission:

PreventionGenetics, part of Exact Sciences
Classification: Uncertain significance for PTPRQ-related condition. Last evaluated: 2026-03-13. Review status: criteria provided, single submitter. Criteria: ACMG Guidelines, 2015. Collection method: clinical testing. Allele origin: germline.
Comment: The PTPRQ c.1379C>A variant is predicted to result in the amino acid substitution p.Ala460Asp. To our knowledge, this variant has not been reported in the literature. This variant is reported in 0.0061% of alleles in individuals of African descent in gnomAD. At this time, the clinical significance of this variant is uncertain due to the absence of conclusive functional and genetic evidence.

NM_001145026.2(PTPRQ):c.1379C>A (p.Ala460Asp)

Gene: PTPRQ (protein tyrosine phosphatase receptor type Q; plus strand). Cytogenetic location: 12q21.31.
Variant type: single nucleotide variant.
Coding change: c.1379C>A on transcript NM_001145026.2 (MANE Select); coding-DNA position 1379, C replaced by A.
Protein change: p.Ala460Asp; replaces alanine 460 with aspartic acid.
Molecular consequence: missense variant.
Genome position (GRCh38, 1-based): chr12:80,493,294, C>A. VCF-style: chr12-80493294-C-A. GRCh37 (hg19) VCF-style: chr12-80887073-C-A.
Other names: short protein forms A460D.
Identifiers: ClinVar variation 4977154 (VCV004977154.1).